The following is an entry in ClinVar:

NM_000787.4(DBH):c.470A>C (p.Lys157Thr)

Gene: DBH (dopamine beta-hydroxylase; plus strand). Cytogenetic location: 9q34.2.
Variant type: single nucleotide variant.
Coding change: c.470A>C on transcript NM_000787.4 (MANE Select); coding-DNA position 470, A replaced by C.
Protein change: p.Lys157Thr; replaces lysine 157 with threonine.
Molecular consequence: missense variant.
Genome position (GRCh38, 1-based): chr9:133,639,976, A>C. VCF-style: chr9-133639976-A-C. GRCh37 (hg19) VCF-style: chr9-136505098-A-C.
Other names: c.470A>C (NM_000787.3); short protein forms K157T.
Identifiers: ClinVar variation 2187536 (VCV002187536.4), dbSNP rs760684018, ClinGen allele CA5313064.

ClinVar aggregate classification (germline): Uncertain significance. Review status: criteria provided, multiple submitters, no conflicts (2 of 4 stars). 2 submissions from 2 submitters: Uncertain significance (2). Last evaluated 2025-05-16.

Conditions:
Inborn genetic diseases. Identifiers: MedGen C0950123, MeSH D030342.
Orthostatic hypotension 1 (ORTHYP1). Also called: Dopamine beta-hydroxylase deficiency; NORADRENALINE DEFICIENCY; NOREPINEPHRINE DEFICIENCY; Orthostatic hypotension 1, due to DBH deficiency. Identifiers: Orphanet 230, MedGen C4746777, MONDO:0009123, OMIM 223360.

Allele frequency attached by ClinVar (database versions not stated): TOPMed 0.00001; ExAC 0.00003.
gnomAD v4.1: 7 of 1,613,966 alleles (0.00043%); highest among the groups gnomAD compares: Admixed American, 0.012%; no homozygotes.

Submissions (2):

Ambry Genetics
Classification: Uncertain significance for Inborn genetic diseases. Last evaluated: 2025-05-16. Review status: criteria provided, single submitter. Criteria: Ambry Variant Classification Scheme 2023. Collection method: clinical testing. Allele origin: germline.

Labcorp Genetics (formerly Invitae), Labcorp
Classification: Uncertain significance for Orthostatic hypotension 1. Last evaluated: 2023-11-22. Review status: criteria provided, single submitter. Criteria: Invitae Variant Classification Sherloc (09022015). Collection method: clinical testing. Allele origin: germline.
Comment: This sequence change replaces lysine, which is basic and polar, with threonine, which is neutral and polar, at codon 157 of the DBH protein (p.Lys157Thr). This variant is present in population databases (rs760684018, gnomAD 0.02%). This variant has not been reported in the literature in individuals affected with DBH-related conditions. ClinVar contains an entry for this variant (Variation ID: 2187536). Advanced modeling of protein sequence and biophysical properties (such as structural, functional, and spatial information, amino acid conservation, physicochemical variation, residue mobility, and thermodynamic stability) has been performed at Invitae for this missense variant, however the output from this modeling did not meet the statistical confidence thresholds required to predict the impact of this variant on DBH protein function. In summary, the available evidence is currently insufficient to determine the role of this variant in disease. Therefore, it has been classified as a Variant of Uncertain Significance.